The following is an entry in ClinVar:

NM_000346.4(SOX9):c.521A>C (p.Tyr174Ser)

Gene: SOX9 (SRY-box transcription factor 9; plus strand). Cytogenetic location: 17q24.3.
Variant type: single nucleotide variant.
Coding change: c.521A>C on transcript NM_000346.4 (MANE Select); coding-DNA position 521, A replaced by C.
Protein change: p.Tyr174Ser; replaces tyrosine 174 with serine.
Molecular consequence: missense variant.
Genome position (GRCh38, 1-based): chr17:72,122,808, A>C. VCF-style: chr17-72122808-A-C. GRCh37 (hg19) VCF-style: chr17-70118949-A-C.
Other names: short protein forms Y174S.
Identifiers: ClinVar variation 522033 (VCV000522033.5), dbSNP rs1555629165, ClinGen allele CA400866480.

ClinVar aggregate classification (germline): Likely pathogenic (1 of 4 stars; one submission).

Conditions:
Inborn genetic diseases. Identifiers: MedGen C0950123, MeSH D030342.

Submission:

Ambry Genetics
Classification: Likely pathogenic for Inborn genetic diseases. Last evaluated: 2026-07-29. Review status: criteria provided, single submitter. Criteria: Ambry Variant Classification Scheme 2023. Collection method: clinical testing. Allele origin: germline.
Comment: The c.521A>C (p.Y174S) alteration is located in coding exon 2 of the SOX9 gene. This alteration results from an A to C substitution at nucleotide position 521, causing the tyrosine (Y) at amino acid position 174 to be replaced by a serine (S). This variant was not reported in population-based cohorts in the Genome Aggregation Database (gnomAD). This amino acid position is highly conserved in available vertebrate species. This missense variant is located in a region that has a low rate of benign missense variation (Lek, 2016; Firth, 2009). This alteration is predicted to be deleterious by in silico analysis. Based on the available evidence, this alteration is classified as likely pathogenic.

Literature cited by the submitters: PubMed 9066880; PubMed 10951468; PubMed 12161603.